The following is an entry in ClinVar:

NM_001271.4(CHD2):c.4307G>A (p.Ser1436Asn)

Gene: CHD2 (chromodomain helicase DNA binding protein 2; plus strand). Cytogenetic location: 15q26.1.
Variant type: single nucleotide variant.
Coding change: c.4307G>A on transcript NM_001271.4 (MANE Select); coding-DNA position 4307, G replaced by A.
Protein change: p.Ser1436Asn; replaces serine 1436 with asparagine.
Molecular consequence: missense variant.
Genome position (GRCh38, 1-based): chr15:93,004,645, G>A. VCF-style: chr15-93004645-G-A. GRCh37 (hg19) VCF-style: chr15-93547875-G-A.
Other names: short protein forms S1436N.
Identifiers: ClinVar variation 3626142 (VCV003626142.2).

ClinVar aggregate classification (germline): Uncertain significance (1 of 4 stars; one submission).

Conditions:
Developmental and epileptic encephalopathy 94 (DEE94). Also called: CHD2-Related Neurodevelopmental Disorders; Epileptic encephalopathy, childhood-onset. Identifiers: Orphanet 1942, Orphanet 2382, MedGen C3809278, MONDO:0014150, OMIM 615369.

gnomAD v4.1: 1 of 1,612,634 alleles (0.000062%); highest among the groups gnomAD compares: Non-Finnish European, 0.000085%; no homozygotes.

Submission:

Labcorp Genetics (formerly Invitae), Labcorp
Classification: Uncertain significance for Developmental and epileptic encephalopathy 94. Last evaluated: 2024-11-03. Review status: criteria provided, single submitter. Criteria: Invitae Variant Classification Sherloc (09022015). Collection method: clinical testing. Allele origin: germline.
Comment: This sequence change replaces serine, which is neutral and polar, with asparagine, which is neutral and polar, at codon 1436 of the CHD2 protein (p.Ser1436Asn). This variant is not present in population databases (gnomAD no frequency). This variant has not been reported in the literature in individuals affected with CHD2-related conditions. Invitae Evidence Modeling of protein sequence and biophysical properties (such as structural, functional, and spatial information, amino acid conservation, physicochemical variation, residue mobility, and thermodynamic stability) indicates that this missense variant is not expected to disrupt CHD2 protein function with a negative predictive value of 95%. In summary, the available evidence is currently insufficient to determine the role of this variant in disease. Therefore, it has been classified as a Variant of Uncertain Significance.